The following is an entry in ClinVar:

NM_201253.3(CRB1):c.3305T>G (p.Ile1102Ser)

Gene: CRB1 (crumbs cell polarity complex component 1; plus strand). Cytogenetic location: 1q31.3.
Variant type: single nucleotide variant.
Coding change: c.3305T>G on transcript NM_201253.3 (MANE Select); coding-DNA position 3305, T replaced by G.
Protein change: p.Ile1102Ser; replaces isoleucine 1102 with serine.
Molecular consequence: missense variant. On other transcripts: non-coding transcript variant (2), intron variant (1).
Genome position (GRCh38, 1-based): chr1:197,435,168, T>G. VCF-style: chr1-197435168-T-G. GRCh37 (hg19) VCF-style: chr1-197404298-T-G.
Other names: c.2969T>G, p.Ile990Ser (NM_001193640.2); c.3233T>G, p.Ile1078Ser (NM_001257965.2); c.2129-432T>G (NM_001257966.2); short protein forms I1078S, I1102S, I990S.
Identifiers: ClinVar variation 3767351 (VCV003767351.1).

ClinVar aggregate classification (germline): Likely pathogenic (1 of 4 stars; one submission).

Conditions:
Leber congenital amaurosis 8 (LCA8). Identifiers: Orphanet 65, MedGen C3151202, MONDO:0013453, OMIM 613835.

Submission:

SingHealth Duke-NUS Institute of Precision Medicine
Classification: Likely pathogenic for Leber congenital amaurosis 8. Last evaluated: 2025-02-05. Review status: criteria provided, single submitter. Criteria: PRISM ACMG Classification Criteria. Collection method: clinical testing. Allele origin: germline. Affected: yes.
Comment: Variant is located in a mutational hotspot where >50% of variants are pathogenic (PM1). Variant is not found in gnomAD exomes or genomes (PM2). REVEL score is 0.825 (PP3_mod). Variant is observed in trans with another pathogenic variant (PM3).